The following is an entry in ClinVar:

ClinVar aggregate classification (germline): Uncertain significance. Review status: criteria provided, multiple submitters, no conflicts (2 of 4 stars). 5 submissions from 5 submitters: Uncertain significance (5). Last evaluated 2026-04-01.

Conditions:
Osteogenesis imperfecta, perinatal lethal (OI2). Also called: OSTEOGENESIS IMPERFECTA, TYPE II; VROLIK TYPE OF OSTEOGENESIS IMPERFECTA; Osteogenesis imperfecta type 2; Osteogenesis imperfecta, dominant perinatal lethal; OI, TYPE II; OSTEOGENESIS IMPERFECTA CONGENITA. Identifiers: Orphanet 216804, MedGen C0268358, MONDO:0008147, OMIM 166210.
Osteogenesis imperfecta type III (OI3). Also called: Osteogenesis imperfecta type 3; OI type 3; Osteogenesis imperfecta, progressively deforming with normal sclerae; OI type III; Progressively Deforming Osteogenesis Imperfecta. Identifiers: Orphanet 216812, Orphanet 666, MedGen C0268362, MONDO:0009804, OMIM 259420.
Ehlers-Danlos syndrome, cardiac valvular type. Identifiers: Orphanet 230851, MedGen C4303789, MONDO:0009159, OMIM 225320.
Osteogenesis imperfecta with normal sclerae, dominant form (OI4). Also called: Osteogenesis imperfecta type 4; Osteogenesis Imperfecta Type IV; Common Variable Osteogenesis Imperfecta with Normal Sclerae; OSTEOGENESIS IMPERFECTA, TYPE IV, WITH DENTINOGENESIS IMPERFECTA; OSTEOGENESIS IMPERFECTA WITH NORMAL SCLERAE. Identifiers: Orphanet 216820, Orphanet 666, MedGen C0268363, MONDO:0008148, OMIM 166220.
Osteoporosis. Identifiers: MedGen C0029456, MONDO:0005298, OMIM 166710, HP:0000939.
Combined osteogenesis imperfecta and Ehlers-Danlos syndrome 2. Also called: OIEDS SYNDROME 2. Identifiers: MedGen C5436847, MONDO:0030855, OMIM 619120.
Ehlers-Danlos syndrome, arthrochalasia type, 2. Also called: EHLERS-DANLOS SYNDROME, TYPE VIIB, AUTOSOMAL DOMINANT. Identifiers: MedGen CN293783, MONDO:0040501, OMIM 617821.
Osteogenesis imperfecta type I (OI1). Also called: Osteogenesis imperfecta type 1; Lobstein disease; Classic Non-deforming Osteogenesis Imperfecta with Blue Sclerae; Lobstein's Disease; OI, TYPE I; OSTEOGENESIS IMPERFECTA TARDA. Identifiers: Orphanet 216796, Orphanet 666, MedGen C0023931, MONDO:0008146, OMIM 166200. Disease mechanism: loss of function.
Ehlers-Danlos syndrome, classic type, 1 (EDSCL1). Also called: Ehlers-Danlos Syndrome, Classic Type, COL5A1-Related; EDS I; Ehlers-Danlos syndrome, type 1; EHLERS-DANLOS SYNDROME, GRAVIS TYPE; EHLERS-DANLOS SYNDROME, SEVERE CLASSIC TYPE. Identifiers: MedGen C0268335, MONDO:0019567, OMIM 130000.
Cardiovascular phenotype. Identifiers: MedGen CN230736.

Allele frequency attached by ClinVar (database versions not stated): ExAC 0.00003; gnomAD exomes 0.00004; gnomAD 0.00006 and 0.00007; TOPMed 0.00010; 1000 Genomes Project 30x 0.00016.
gnomAD v4.1: 66 of 1,613,674 alleles (0.0041%); highest among the groups gnomAD compares: Admixed American, 0.02%; no homozygotes.

Submissions (5):

Ambry Genetics
Classification: Uncertain significance for Cardiovascular phenotype. Last evaluated: 2026-04-01. Review status: criteria provided, single submitter. Criteria: Ambry Variant Classification Scheme 2023. Collection method: clinical testing. Allele origin: germline.

Women's Health and Genetics/Laboratory Corporation of America, LabCorp
Classification: Uncertain significance. Last evaluated: 2026-02-19. Review status: criteria provided, single submitter. Criteria: LabCorp Variant Classification Summary - May 2015. Collection method: clinical testing. Allele origin: germline.
Comment: Variant summary: COL1A2 c.2843G>A (p.Arg948His) results in a non-conservative amino acid change in the encoded protein sequence. Algorithms developed to predict the effect of missense changes on protein structure and function all suggest that this variant is likely to be disruptive. The variant allele was found at a frequency of 3.6e-05 in 249302 control chromosomes. The available data on variant occurrences in the general population are insufficient to allow any conclusion about variant significance. To our knowledge, no occurrence of c.2843G>A in individuals affected with COL1A2-related conditions and no experimental evidence demonstrating its impact on protein function have been reported. ClinVar contains an entry for this variant (Variation ID: 526887). Based on the evidence outlined above, the variant was classified as uncertain significance.

Labcorp Genetics (formerly Invitae), Labcorp
Classification: Uncertain significance for Osteogenesis imperfecta type I; Ehlers-Danlos syndrome, classic type, 1. Last evaluated: 2026-01-19. Review status: criteria provided, single submitter. Criteria: Invitae Variant Classification Sherloc (09022015). Collection method: clinical testing. Allele origin: germline.
Comment: This sequence change replaces arginine, which is basic and polar, with histidine, which is basic and polar, at codon 948 of the COL1A2 protein (p.Arg948His). This variant is present in population databases (rs201168934, gnomAD 0.009%). This variant has not been reported in the literature in individuals affected with COL1A2-related conditions. ClinVar contains an entry for this variant (Variation ID: 526887). Invitae Evidence Modeling of protein sequence and biophysical properties (such as structural, functional, and spatial information, amino acid conservation, physicochemical variation, residue mobility, and thermodynamic stability) indicates that this missense variant is expected to disrupt COL1A2 protein function with a positive predictive value of 95%. In summary, the available evidence is currently insufficient to determine the role of this variant in disease. Therefore, it has been classified as a Variant of Uncertain Significance.

Fulgent Genetics
Classification: Uncertain significance for Osteogenesis imperfecta, perinatal lethal; Osteogenesis imperfecta with normal sclerae, dominant form; Osteoporosis; Ehlers-Danlos syndrome, cardiac valvular type; Osteogenesis imperfecta type III; Ehlers-Danlos syndrome, arthrochalasia type, 2; Combined osteogenesis imperfecta and Ehlers-Danlos syndrome 2. Last evaluated: 2022-03-05. Review status: criteria provided, single submitter. Criteria: ACMG Guidelines, 2015. Collection method: clinical testing. Allele origin: unknown.

CeGaT Center for Human Genetics Tuebingen
Classification: Uncertain significance. Last evaluated: 2017-08-01. Review status: criteria provided, single submitter. Criteria: CeGaT Center For Human Genetics Tuebingen Variant Classification Criteria Version 2. Collection method: clinical testing. Allele origin: germline. Affected: yes. Observed: 1 variant allele.

NM_000089.4(COL1A2):c.2843G>A (p.Arg948His)

Gene: COL1A2 (collagen type I alpha 2 chain; plus strand). Cytogenetic location: 7q21.3.
Variant type: single nucleotide variant.
Coding change: c.2843G>A on transcript NM_000089.4 (MANE Select); coding-DNA position 2843, G replaced by A.
Protein change: p.Arg948His; replaces arginine 948 with histidine.
Molecular consequence: missense variant.
Genome position (GRCh38, 1-based): chr7:94,425,757, G>A. VCF-style: chr7-94425757-G-A. GRCh37 (hg19) VCF-style: chr7-94055069-G-A.
Other names: short protein forms R948H.
Identifiers: ClinVar variation 526887 (VCV000526887.55), dbSNP rs201168934, ClinGen allele CA4347582.
Genomic context (GRCh38, chr7:94,425,757, plus strand): 5'-AGTGATTAAAATGCAACCCAGATTGATGCTAAGCTTCATTTTGCCTTTGGTAGGGAGAGC[G>A]CGGTTACCCTGGCAATATTGGTCCCGTTGGTGCTGCAGGTGCACCTGGTCCTCATGGCCC-3'
Protein context (NP_000080.2, residues 938-958): RDGQPGHKGE[Arg948His]GYPGNIGPVG